The following is an entry in ClinVar:

ClinVar aggregate classification (germline): Conflicting classifications of pathogenicity. Review status: criteria provided, conflicting classifications (1 of 4 stars). 6 submissions from 6 submitters: Uncertain significance (1); Likely benign (5). Last evaluated 2026-07-20.

Conditions:
Inborn genetic diseases. Identifiers: MedGen C0950123, MeSH D030342.
Progressive sclerosing poliodystrophy (MTDPS4A). Also called: Alpers-Huttenlocher Syndrome (AHS); NEURONAL DEGENERATION OF CHILDHOOD WITH LIVER DISEASE, PROGRESSIVE; ALPERS DIFFUSE DEGENERATION OF CEREBRAL GRAY MATTER WITH HEPATIC CIRRHOSIS; Alpers-Huttenlocher Syndrome; Mitochondrial DNA depletion syndrome 4A (Alpers type); Alpers Syndrome. Identifiers: Orphanet 726, MedGen C0205710, MONDO:0008758, OMIM 203700.
POLG-related disorder. Also called: POLG-related condition; POLG-Related Disorders; POLG-Related Spectrum Disorders. Identifiers: MedGen C4763519.

Submissions (6):

PreventionGenetics, part of Exact Sciences
Classification: Uncertain significance for POLG-related condition. Last evaluated: 2026-07-20. Review status: criteria provided, single submitter. Criteria: ACMG Guidelines, 2015. Collection method: clinical testing. Allele origin: germline.
Comment: The POLG c.147_158dup12 variant is predicted to result in an in-frame duplication (p.Gln52_Gln55dup). This variant resides in the POLG N-terminal CAG repeat expansion region and extends the polyglutamine tract by four additional glutamine (Q) residues (resulting in 14Q compared to the more frequently reported 10Q). The function of this polyQ tract is not yet known, and association studies attempting to link extension of this repeat region to disease have been lacking in conclusive functional evidence (Bentley et al. 2014. PubMed ID: 24491464; Rovio et al. 1999. PubMed ID: 10196696). This variant has not been reported in a large population database, indicating this variant is rare. Although we suspect that this variant may be benign, at this time, the clinical significance of this variant is uncertain due to the absence of conclusive functional and genetic evidence.

CeGaT Center for Human Genetics Tuebingen
Classification: Likely benign. Last evaluated: 2026-02-01. Review status: criteria provided, single submitter. Criteria: CeGaT Center For Human Genetics Tuebingen Variant Classification Criteria Version 2. Collection method: clinical testing. Allele origin: germline. Affected: yes. Observed: 1 variant allele.
Comment: POLG: BP3

Labcorp Genetics (formerly Invitae), Labcorp
Classification: Likely benign for Progressive sclerosing poliodystrophy. Last evaluated: 2026-01-28. Review status: criteria provided, single submitter. Criteria: Invitae Variant Classification Sherloc (09022015). Collection method: clinical testing. Allele origin: germline.

Ambry Genetics
Classification: Likely benign for Inborn genetic diseases. Last evaluated: 2024-12-16. Review status: criteria provided, single submitter. Criteria: Ambry Variant Classification Scheme 2023. Collection method: clinical testing. Allele origin: germline.

GeneDx
Classification: Likely benign. Last evaluated: 2023-01-25. Review status: criteria provided, single submitter. Criteria: GeneDx Variant Classification Process June 2021. Collection method: clinical testing. Allele origin: germline. Affected: yes.
Comment: See Variant Classification Assertion Criteria.

Athena Diagnostics
Classification: Likely benign. Last evaluated: 2021-05-07. Review status: criteria provided, single submitter. Criteria: Athena Diagnostics criteria. Collection method: clinical testing. Allele origin: unknown.

Literature cited by the submitters: PubMed 20399836 (cited by Athena Diagnostics); PubMed 15181541 (cited by Athena Diagnostics); PubMed 17846414 (cited by Athena Diagnostics); PubMed 23251356 (cited by Athena Diagnostics); PubMed 20826197 (cited by Athena Diagnostics); PubMed 22963882 (cited by Athena Diagnostics); PubMed 24491464 (cited by Athena Diagnostics).

NM_002693.3(POLG):c.126GCA[15] (p.Gln52_Gln55dup)

Genes: POLG (DNA polymerase gamma, catalytic subunit; minus strand), POLGARF (POLG alternative reading frame; minus strand). Cytogenetic location: 15q26.1.
Variant type: Microsatellite.
Coding change: c.126GCA[15] on transcript NM_002693.3 (MANE Select); 15 copies in a row of the 3-base unit GCA starting at c.126; the reference has 11 copies in a row; four copies, 12 bases duplicated; also written c.147_158dup.
Protein change: p.Gln52_Gln55dup.
Molecular consequence: inframe insertion.
Genome position (GRCh38, 1-based): chr15:89,333,597-89,333,608, TGCTGCTGCTGC duplicated on the plus strand (GCAGCAGCAGCA on the coding strand, the reverse complement: POLG is on the minus strand); duplicating any 12 consecutive bases within chr15:89,333,597-89,333,629 gives the same sequence; the position shown is the placement nearest the transcript's 3' end. VCF-style (leftmost placement, unchanged base first): chr15-89333596-T-TTGCTGCTGCTGC. GRCh37 (hg19) VCF-style: chr15-89876827-T-TTGCTGCTGCTGC.
Other names: c.126GCA[15], p.Gln52_Gln55dup (NM_001126131.2); c.147_158dup12 (NM_002693.2); c.147_158dup (NM_002693.2).
Identifiers: ClinVar variation 458688 (VCV000458688.65), dbSNP rs41550117, ClinGen allele CA658658323.